The following is an entry in ClinVar:

ClinVar aggregate classification (germline): Uncertain significance (1 of 4 stars; one submission).

Submission:

GeneDx
Classification: Uncertain significance. Last evaluated: 2022-04-14. Review status: criteria provided, single submitter. Criteria: GeneDx Variant Classification Process June 2021. Collection method: clinical testing. Allele origin: germline. Affected: yes.
Comment: Not observed at significant frequency in large population cohorts (gnomAD); In silico analysis supports that this missense variant does not alter protein structure/function; Has not been previously published as pathogenic or benign to our knowledge

NM_021008.4(DEAF1):c.556G>C (p.Glu186Gln)

Gene: DEAF1 (DEAF1 transcription factor; minus strand). Cytogenetic location: 11p15.5.
Variant type: single nucleotide variant.
Coding change: c.556G>C on transcript NM_021008.4 (MANE Select); coding-DNA position 556, G replaced by C.
Protein change: p.Glu186Gln; replaces glutamic acid 186 with glutamine.
Molecular consequence: missense variant. On other transcripts: 5 prime UTR variant (1).
Genome position (GRCh38, 1-based): chr11:688,019, C>G on the plus strand (G>C on the coding strand, the complement: DEAF1 is on the minus strand). VCF-style: chr11-688019-C-G. GRCh37 (hg19) VCF-style: chr11-688019-C-G.
Other names: c.556G>C, p.Glu186Gln (NM_001293634.2); c.-171G>C (NM_001367390.1); short protein forms E186Q.
Identifiers: ClinVar variation 1710882 (VCV001710882.2), dbSNP rs1860672781, ClinGen allele CA378934117.
Genomic context (GRCh38, chr11:688,019, plus strand): 5'-GTACGGGCAGCTCACTGTCGTACACAGAAGGGTCCCAGTTGTATTTAGTTCCACCTTTTT[C>G]TTGGCCGGGAGCCAGAGGGGTTGGAGGAGACTGAGGACCTTGGGCAGAGAAAGTGTTTGA-3'
Protein context (NP_066288.2, residues 176-196): SPPTPLAPGQ[Glu186Gln]KGGTKYNWDP